The following is an entry in ClinVar:

NM_031924.8(RSPH3):c.-203G>C

Gene: RSPH3 (radial spoke head 3; minus strand). Cytogenetic location: 6q25.3.
Variant type: single nucleotide variant.
Coding change: c.-203G>C on transcript NM_031924.8 (MANE Select); 203 bases upstream of the start codon, G replaced by C.
Molecular consequence: 5 prime UTR variant. On other transcripts: missense variant (1), non-coding transcript variant (1).
Genome position (GRCh38, 1-based): chr6:158,999,753, C>G on the plus strand (G>C on the coding strand, the complement: RSPH3 is on the minus strand). VCF-style: chr6-158999753-C-G. GRCh37 (hg19) VCF-style: chr6-159420785-C-G.
Other names: c.224G>C, p.Gly75Ala (NM_001346418.1); short protein forms G75A.
Identifiers: ClinVar variation 2417013 (VCV002417013.6), dbSNP rs1778792601, ClinGen allele CA366285590.

ClinVar aggregate classification (germline): Uncertain significance (1 of 4 stars; one submission).

Conditions:
Primary ciliary dyskinesia 32. Also called: CILIARY DYSKINESIA, PRIMARY, 32, WITHOUT SITUS INVERSUS. Identifiers: Orphanet 244, MedGen C4225311, MONDO:0014657, OMIM 616481.

Allele frequency attached by ClinVar (database versions not stated): gnomAD 0.00001.
gnomAD v4.1: 1 of 1,611,192 alleles (0.000062%); highest among the groups gnomAD compares: Admixed American, 0.0017%; no homozygotes.

Submission:

Labcorp Genetics (formerly Invitae), Labcorp
Classification: Uncertain significance for Primary ciliary dyskinesia 32. Last evaluated: 2022-03-28. Review status: criteria provided, single submitter. Criteria: Invitae Variant Classification Sherloc (09022015). Collection method: clinical testing. Allele origin: germline.
Comment: In summary, the available evidence is currently insufficient to determine the role of this variant in disease. Therefore, it has been classified as a Variant of Uncertain Significance. Algorithms developed to predict the effect of missense changes on protein structure and function output the following: SIFT: "Tolerated"; PolyPhen-2: "Benign"; Align-GVGD: "Class C0". The alanine amino acid residue is found in multiple mammalian species, which suggests that this missense change does not adversely affect protein function. This variant has not been reported in the literature in individuals affected with RSPH3-related conditions. This variant is not present in population databases (gnomAD no frequency). This sequence change replaces glycine, which is neutral and non-polar, with alanine, which is neutral and non-polar, at codon 75 of the RSPH3 protein (p.Gly75Ala).